The following is an entry in ClinVar:

NM_001365951.3(KIF1B):c.2548G>C (p.Asp850His)

Gene: KIF1B (kinesin family member 1B; plus strand). Cytogenetic location: 1p36.22.
Variant type: single nucleotide variant.
Coding change: c.2548G>C on transcript NM_001365951.3 (MANE Select); coding-DNA position 2548, G replaced by C.
Protein change: p.Asp850His; replaces aspartic acid 850 with histidine.
Molecular consequence: missense variant.
Genome position (GRCh38, 1-based): chr1:10,324,768, G>C. VCF-style: chr1-10324768-G-C. GRCh37 (hg19) VCF-style: chr1-10384826-G-C.
Other names: c.2548G>C, p.Asp850His (NM_001365952.1); c.2410G>C, p.Asp804His (NM_015074.3); short protein forms D850H, D804H.
Identifiers: ClinVar variation 1790889 (VCV001790889.2), dbSNP rs2521629241, ClinGen allele CA338335392.

ClinVar aggregate classification (germline): Uncertain significance (1 of 4 stars; one submission).

Submission:

Ambry Genetics
Classification: Uncertain significance. Last evaluated: 2021-09-14. Review status: criteria provided, single submitter. Criteria: Ambry Variant Classification Scheme 2023. Collection method: clinical testing. Allele origin: germline.
Comment: The p.D804H variant (also known as c.2410G>C), located in coding exon 23 of the KIF1B gene, results from a G to C substitution at nucleotide position 2410. The aspartic acid at codon 804 is replaced by histidine, an amino acid with similar properties. This amino acid position is not well conserved in available vertebrate species. In addition, this alteration is predicted to be tolerated by in silico analysis. Since supporting evidence is limited at this time, the clinical significance of this alteration remains unclear.